The following is an entry in ClinVar:

ClinVar aggregate classification (germline): Uncertain significance. Review status: criteria provided, multiple submitters, no conflicts (2 of 4 stars). 2 submissions from 2 submitters: Uncertain significance (2). Last evaluated 2025-04-16.

Conditions:
Cardiovascular phenotype. Identifiers: MedGen CN230736.
Hereditary cancer-predisposing syndrome. Also called: Neoplastic Syndromes, Hereditary; Tumor predisposition; Hereditary neoplastic syndrome; Hereditary Cancer Syndrome. Identifiers: Orphanet 140162, MedGen C0027672, MeSH D009386, MONDO:0015356.

gnomAD v4.1: 1 of 1,612,832 alleles (0.000062%); highest among the groups gnomAD compares: Non-Finnish European, 0.000085%; no homozygotes.

Submissions (2):

Labcorp Genetics (formerly Invitae), Labcorp
Classification: Uncertain significance. Last evaluated: 2025-04-16. Review status: criteria provided, single submitter. Criteria: Invitae Variant Classification Sherloc (09022015). Collection method: clinical testing. Allele origin: germline.
Comment: This sequence change replaces valine, which is neutral and non-polar, with glycine, which is neutral and non-polar, at codon 463 of the LZTR1 protein (p.Val463Gly). This variant is not present in population databases (gnomAD no frequency). This variant has not been reported in the literature in individuals affected with LZTR1-related conditions. ClinVar contains an entry for this variant (Variation ID: 2142514). Invitae Evidence Modeling of protein sequence and biophysical properties (such as structural, functional, and spatial information, amino acid conservation, physicochemical variation, residue mobility, and thermodynamic stability) indicates that this missense variant is not expected to disrupt LZTR1 protein function with a negative predictive value of 80%. In summary, the available evidence is currently insufficient to determine the role of this variant in disease. Therefore, it has been classified as a Variant of Uncertain Significance.

Ambry Genetics
Classification: Uncertain significance for Cardiovascular phenotype; Hereditary cancer-predisposing syndrome. Last evaluated: 2023-09-07. Review status: criteria provided, single submitter. Criteria: Ambry Variant Classification Scheme 2023. Collection method: clinical testing. Allele origin: germline.
Comment: The p.V463G variant (also known as c.1388T>G), located in coding exon 13 of the LZTR1 gene, results from a T to G substitution at nucleotide position 1388. The valine at codon 463 is replaced by glycine, an amino acid with dissimilar properties. This amino acid position is highly conserved in available vertebrate species. In addition, this alteration is predicted to be deleterious by in silico analysis. Since supporting evidence is limited at this time, the clinical significance of this alteration remains unclear.

NM_006767.4(LZTR1):c.1388T>G (p.Val463Gly)

Gene: LZTR1 (leucine zipper like post translational regulator 1; plus strand). Cytogenetic location: 22q11.21.
Variant type: single nucleotide variant.
Coding change: c.1388T>G on transcript NM_006767.4 (MANE Select); coding-DNA position 1388, T replaced by G.
Protein change: p.Val463Gly; replaces valine 463 with glycine.
Molecular consequence: missense variant.
Genome position (GRCh38, 1-based): chr22:20,993,958, T>G. VCF-style: chr22-20993958-T-G. GRCh37 (hg19) VCF-style: chr22-21348247-T-G.
Other names: c.1388T>G (NM_006767.3); short protein forms V463G.
Identifiers: ClinVar variation 2142514 (VCV002142514.5), dbSNP rs1193106828, ClinGen allele CA410775127.